The following is an entry in ClinVar:

NM_002582.4(PARN):c.161A>T (p.Tyr54Phe)

Gene: PARN (poly(A)-specific ribonuclease; minus strand). Cytogenetic location: 16p13.12.
Variant type: single nucleotide variant.
Coding change: c.161A>T on transcript NM_002582.4 (MANE Select); coding-DNA position 161, A replaced by T.
Protein change: p.Tyr54Phe; replaces tyrosine 54 with phenylalanine.
Molecular consequence: missense variant. On other transcripts: 5 prime UTR variant (1), intron variant (1).
Genome position (GRCh38, 1-based): chr16:14,628,188, T>A on the plus strand (A>T on the coding strand, the complement: PARN is on the minus strand). VCF-style: chr16-14628188-T-A. GRCh37 (hg19) VCF-style: chr16-14722045-T-A.
Other names: c.-23A>T (NM_001134477.3); c.158+3A>T (NM_001242992.2); short protein forms Y54F.
Identifiers: ClinVar variation 1425161 (VCV001425161.8), dbSNP rs1972795595, ClinGen allele CA394816838.
Genomic context (GRCh38, chr16:14,628,188, plus strand): 5'-GACTAACATGAGAAAGAAAAAGATTTCCTAGCACATCCACTTGCCTTTTTAAGCTTCTGA[T>A]ACCTCTCTTCTGGAGTGTCAAAACCATTTGTTAATGCAGAGACTGAAGGTCCATCACTGA-3'
Protein context (NP_002573.1, residues 44-64): TNGFDTPEER[Tyr54Phe]QKLKKHSMDF

ClinVar aggregate classification (germline): Uncertain significance (1 of 4 stars; one submission).

Conditions:
Dyskeratosis congenita, autosomal recessive 6 (DKCB6). Identifiers: MedGen C4225356, MONDO:0014600, OMIM 616353.
Pulmonary fibrosis and/or bone marrow failure, Telomere-related, 4. Also called: PULMONARY FIBROSIS AND/OR BONE MARROW FAILURE SYNDROME, TELOMERE-RELATED, 4. Identifiers: Orphanet 2032, MedGen C4225347, MONDO:0014612, OMIM 616371.

Allele frequency attached by ClinVar (database versions not stated): gnomAD exomes 0.00002.
gnomAD v4.1: 33 of 1,595,392 alleles (0.0021%); highest among the groups gnomAD compares: Non-Finnish European, 0.0028%; no homozygotes.

Submission:

Labcorp Genetics (formerly Invitae), Labcorp
Classification: Uncertain significance for Dyskeratosis congenita, autosomal recessive 6; Pulmonary fibrosis and/or bone marrow failure, Telomere-related, 4. Last evaluated: 2024-12-26. Review status: criteria provided, single submitter. Criteria: Invitae Variant Classification Sherloc (09022015). Collection method: clinical testing. Allele origin: germline.
Comment: This sequence change replaces tyrosine, which is neutral and polar, with phenylalanine, which is neutral and non-polar, at codon 54 of the PARN protein (p.Tyr54Phe). This variant is not present in population databases (gnomAD no frequency). This variant has not been reported in the literature in individuals affected with PARN-related conditions. ClinVar contains an entry for this variant (Variation ID: 1425161). Invitae Evidence Modeling of protein sequence and biophysical properties (such as structural, functional, and spatial information, amino acid conservation, physicochemical variation, residue mobility, and thermodynamic stability) indicates that this missense variant is not expected to disrupt PARN protein function with a negative predictive value of 80%. In summary, the available evidence is currently insufficient to determine the role of this variant in disease. Therefore, it has been classified as a Variant of Uncertain Significance.